The following is an entry in ClinVar:

ClinVar aggregate classification (germline): Uncertain significance (1 of 4 stars; one submission).

Allele frequency attached by ClinVar (database versions not stated): gnomAD exomes below 0.00001; TOPMed 0.00003.

Submission:

Labcorp Genetics (formerly Invitae), Labcorp
Classification: Uncertain significance. Last evaluated: 2021-10-03. Review status: criteria provided, single submitter. Criteria: Invitae Variant Classification Sherloc (09022015). Collection method: clinical testing. Allele origin: germline.
Comment: This sequence change replaces arginine with cysteine at codon 217 of the HYOU1 protein (p.Arg217Cys). The arginine residue is highly conserved and there is a large physicochemical difference between arginine and cysteine. This variant is not present in population databases (ExAC no frequency). This variant has not been reported in the literature in individuals affected with HYOU1-related conditions. Algorithms developed to predict the effect of missense changes on protein structure and function (SIFT, PolyPhen-2, Align-GVGD) all suggest that this variant is likely to be disruptive. In summary, the available evidence is currently insufficient to determine the role of this variant in disease. Therefore, it has been classified as a Variant of Uncertain Significance.

NM_006389.5(HYOU1):c.649C>T (p.Arg217Cys)

Gene: HYOU1 (hypoxia up-regulated 1; minus strand). Cytogenetic location: 11q23.3.
Variant type: single nucleotide variant.
Coding change: c.649C>T on transcript NM_006389.5 (MANE Select); coding-DNA position 649, C replaced by T.
Protein change: p.Arg217Cys; replaces arginine 217 with cysteine.
Molecular consequence: missense variant.
Genome position (GRCh38, 1-based): chr11:119,054,523, G>A on the plus strand (C>T on the coding strand, the complement: HYOU1 is on the minus strand). VCF-style: chr11-119054523-G-A. GRCh37 (hg19) VCF-style: chr11-118925235-G-A.
Other names: c.649C>T, p.Arg217Cys (NM_001130991.3); short protein forms R217C.
Identifiers: ClinVar variation 1483911 (VCV001483911.6), dbSNP rs1311894461, ClinGen allele CA382948036.
Genomic context (GRCh38, chr11:119,054,523, plus strand): 5'-TGCATGTCTGGTCAAGGCTCCCCTGGCTCACCTGGGCAGTGGTGTTAATATCTTTCCGGC[G>A]GAAGACACCATAGCTGAGGGCAGTGGCGGTGTTGTCATTGATGAGCTGCAGCACTTTGAG-3'
Protein context (NP_006380.1, residues 207-227): TATALSYGVF[Arg217Cys]RKDINTTAQN